The following is an entry in ClinVar:

ClinVar aggregate classification (germline): Uncertain significance. Review status: criteria provided, multiple submitters, no conflicts (2 of 4 stars). 2 submissions from 2 submitters: Uncertain significance (2). Last evaluated 2025-12-08.

Conditions:
Leukodystrophy, hypomyelinating, 7, with or without oligodontia and/or hypogonadotropic hypogonadism (HLD7). Also called: LEUKODYSTROPHY, HYPOMYELINATING, 7, WITH OLIGODONTIA; LEUKODYSTROPHY, HYPOMYELINATING, 7, WITH OLIGODONTIA AND HYPOGONADOTROPIC HYPOGONADISM; LEUKODYSTROPHY, HYPOMYELINATING, 7, WITHOUT OLIGODONTIA OR HYPOGONADOTROPIC HYPOGONADISM; LEUKOENCEPHALOPATHY, HYPOMYELINATING, WITH ATAXIA AND DELAYED DENTITION; ATAXIA, DELAYED DENTITION, AND HYPOMYELINATION; Ataxia, Delayed Dentition and Hypomyelination (ADDH). Identifiers: Orphanet 137639, Orphanet 447893, Orphanet 447896, Orphanet 77295, Orphanet 88637, MedGen CN034185, MONDO:0011897, OMIM 607694.

Allele frequency attached by ClinVar (database versions not stated): ExAC 0.00001; gnomAD exomes 0.00001 and 0.00002; gnomAD 0.00003 and 0.00004; TOPMed 0.00009.
gnomAD v4.1: 37 of 1,610,644 alleles (0.0023%); highest among the groups gnomAD compares: South Asian, 0.0066%; no homozygotes.

Submissions (2):

Labcorp Genetics (formerly Invitae), Labcorp
Classification: Uncertain significance. Last evaluated: 2025-12-08. Review status: criteria provided, single submitter. Criteria: Invitae Variant Classification Sherloc (09022015). Collection method: clinical testing. Allele origin: germline.
Comment: This sequence change replaces aspartic acid, which is acidic and polar, with asparagine, which is neutral and polar, at codon 896 of the POLR3A protein (p.Asp896Asn). This variant is present in population databases (rs773941193, gnomAD 0.01%). This variant has not been reported in the literature in individuals affected with POLR3A-related conditions. ClinVar contains an entry for this variant (Variation ID: 1030182). Invitae Evidence Modeling of protein sequence and biophysical properties (such as structural, functional, and spatial information, amino acid conservation, physicochemical variation, residue mobility, and thermodynamic stability) indicates that this missense variant is not expected to disrupt POLR3A protein function with a negative predictive value of 80%. In summary, the available evidence is currently insufficient to determine the role of this variant in disease. Therefore, it has been classified as a Variant of Uncertain Significance.

Baylor Genetics
Classification: Uncertain significance for Leukodystrophy, hypomyelinating, 7, with or without oligodontia and/or hypogonadotropic hypogonadism. Last evaluated: 2019-01-11. Review status: criteria provided, single submitter. Criteria: ACMG Guidelines, 2015. Collection method: clinical testing. Allele origin: unknown. Affected: yes.
Comment: This variant was determined to be of uncertain significance according to ACMG Guidelines, 2015 [PMID:25741868].

NM_007055.4(POLR3A):c.2686G>A (p.Asp896Asn)

Gene: POLR3A (RNA polymerase III subunit A; minus strand). Cytogenetic location: 10q22.3.
Variant type: single nucleotide variant.
Coding change: c.2686G>A on transcript NM_007055.4 (MANE Select); coding-DNA position 2686, G replaced by A.
Protein change: p.Asp896Asn; replaces aspartic acid 896 with asparagine.
Molecular consequence: missense variant.
Genome position (GRCh38, 1-based): chr10:77,993,298, C>T on the plus strand (G>A on the coding strand, the complement: POLR3A is on the minus strand). VCF-style: chr10-77993298-C-T. GRCh37 (hg19) VCF-style: chr10-79753056-C-T.
Other names: short protein forms D896N.
Identifiers: ClinVar variation 1030182 (VCV001030182.7), dbSNP rs773941193, ClinGen allele CA5571051.